The following is an entry in ClinVar:

NM_000742.4(CHRNA2):c.214C>T (p.Arg72Cys)

Gene: CHRNA2 (cholinergic receptor nicotinic alpha 2 subunit; minus strand). Cytogenetic location: 8p21.2.
Variant type: single nucleotide variant.
Coding change: c.214C>T on transcript NM_000742.4 (MANE Select); coding-DNA position 214, C replaced by T.
Protein change: p.Arg72Cys; replaces arginine 72 with cysteine.
Molecular consequence: missense variant. On other transcripts: 5 prime UTR variant (4).
Genome position (GRCh38, 1-based): chr8:27,469,841, G>A on the plus strand (C>T on the coding strand, the complement: CHRNA2 is on the minus strand). VCF-style: chr8-27469841-G-A. GRCh37 (hg19) VCF-style: chr8-27327358-G-A.
Other names: c.214C>T, p.Arg72Cys (NM_001282455.2); c.-214C>T (NM_001347705.2); c.-259C>T (NM_001347706.2); c.-200C>T (NM_001347707.2); c.-248C>T (NM_001347708.2); short protein forms R72C.
Identifiers: ClinVar variation 543519 (VCV000543519.7), dbSNP rs201890355, ClinGen allele CA4689764.

ClinVar aggregate classification (germline): Uncertain significance (1 of 4 stars; one submission).

Conditions:
Familial sleep-related hypermotor epilepsy. Also called: Autosomal Dominant Sleep-Related Hypermotor (Hyperkinetic) Epilepsy. Identifiers: Orphanet 98784, MedGen C3696898, MONDO:0000030.

Allele frequency attached by ClinVar (database versions not stated): gnomAD exomes 0.00001 and 0.00002; gnomAD 0.00001; ExAC 0.00002; TOPMed 0.00001.
gnomAD v4.1: 22 of 1,614,062 alleles (0.0014%); highest among the groups gnomAD compares: South Asian, 0.0055%; 1 homozygote.

Submission:

Labcorp Genetics (formerly Invitae), Labcorp
Classification: Uncertain significance. Last evaluated: 2026-01-12. Review status: criteria provided, single submitter. Criteria: Invitae Variant Classification Sherloc (09022015). Collection method: clinical testing. Allele origin: germline.
Comment: This sequence change replaces arginine, which is basic and polar, with cysteine, which is neutral and slightly polar, at codon 72 of the CHRNA2 protein (p.Arg72Cys). This variant is present in population databases (rs201890355, gnomAD 0.009%). This variant has not been reported in the literature in individuals affected with CHRNA2-related conditions. This missense change has been observed in at least one individual who was not affected with CHRNA2-related conditions (internal data). ClinVar contains an entry for this variant (Variation ID: 543519). Invitae Evidence Modeling of protein sequence and biophysical properties (such as structural, functional, and spatial information, amino acid conservation, physicochemical variation, residue mobility, and thermodynamic stability) indicates that this missense variant is expected to disrupt CHRNA2 protein function with a positive predictive value of 80%. In summary, the available evidence is currently insufficient to determine the role of this variant in disease. Therefore, it has been classified as a Variant of Uncertain Significance.